The following is an entry in ClinVar:

ClinVar aggregate classification (germline): Likely pathogenic. Review status: criteria provided, multiple submitters, no conflicts (2 of 4 stars). 2 submissions from 2 submitters: Likely pathogenic (2). Last evaluated 2026-04-02.

Conditions:
Familial melanoma. Also called: Hereditary melanoma; Hereditary cutaneous melanoma. Identifiers: Orphanet 618, MedGen C1512419, MONDO:0018961.
Hereditary cancer-predisposing syndrome. Also called: Hereditary neoplastic syndrome; Neoplastic Syndromes, Hereditary; Hereditary Cancer Syndrome; Tumor predisposition. Identifiers: Orphanet 140162, MedGen C0027672, MeSH D009386, MONDO:0015356.

Submissions (2):

Ambry Genetics
Classification: Likely pathogenic for Hereditary cancer-predisposing syndrome. Last evaluated: 2026-04-02. Review status: criteria provided, single submitter. Criteria: Ambry Variant Classification Scheme 2023. Collection method: clinical testing. Allele origin: germline.
Comment: The c.381_393del13insGATGCG variant, located in coding exon 2 of the CDKN2A gene, results from the deletion of 13 nucleotides and insertion of 6 nucleotides causing a translational frameshift with a predicted alternate stop codon (p.R128Mfs*16). This variant occurs at the 3' terminus of the gene, is not expected to trigger nonsense-mediated mRNA decay, and impacts the last 18% of the protein. However, premature stop codons are typically deleterious in nature, the impacted region is critical for protein function, and a significant portion of the protein is affected (Ambry internal data). This variant was reported in individual(s) with features consistent with melanoma-pancreatic cancer syndrome; in at least one individual (Ambry internal data). This variant is considered to be rare based on population cohorts in the Genome Aggregation Database (gnomAD). Based on the supporting evidence, this variant is interpreted as a disease-causing mutation.

Labcorp Genetics (formerly Invitae), Labcorp
Classification: Likely pathogenic for Familial melanoma. Last evaluated: 2017-01-31. Review status: criteria provided, single submitter. Criteria: Invitae Variant Classification Sherloc (09022015). Collection method: clinical testing. Allele origin: germline.
Comment: In summary, this variant is a novel truncating variant that deletes an important region of the CDKN2A protein. This evidence indicates that the variant is pathogenic, but additional data is needed to prove that conclusively. Therefore, this variant has been classified as Likely Pathogenic. A downstream variant (p.Asp153Tyr) has been determined to be pathogenic by causing partial exon 2 skipping, resulting in the deletion of the final 24 amino acids of exon 2 and a frameshift in exon 3 (PMID: 14508519, 12853981, 14508519). This suggests that disruption of this region of the CDKN2A protein is causative of disease. This variant has not been reported in the literature in individuals with a CDKN2A-related disease. This sequence change deletes 13 and inserts 6 nucleotides in exon 2 of the CDKN2A mRNA (c.381_393delinsGATGCG), causing a frameshift at codon 128. This creates a premature translational stop signal in the penultimate exon of the CDKN2A mRNA (p.Arg128Cysfs*16). While this is not anticipated to result in nonsense mediated decay, it is expected to disrupt the last 29 amino acids of the CDKN2A protein.

Literature cited by the submitters: PubMed 14508519 (cited by Labcorp Genetics (formerly Invitae), Labcorp); PubMed 12853981 (cited by Labcorp Genetics (formerly Invitae), Labcorp).

NM_000077.5(CDKN2A):c.381_393delinsGATGCG (p.Arg128fs)

Gene: CDKN2A (cyclin dependent kinase inhibitor 2A; minus strand). Cytogenetic location: 9p21.3.
Variant type: Indel.
Coding change: c.381_393delinsGATGCG on transcript NM_000077.5; coding-DNA positions 381 to 393, ACGGTACCTGCGC replaced by GATGCG.
Protein change: p.Arg128fs; shifts the reading frame from arginine 128.
Molecular consequence: frameshift variant (on NM_000077.6). On other transcripts: 3 prime UTR variant (2).
Genome position (GRCh38, 1-based): chr9:21,970,966-21,970,978, GCGCAGGTACCGT replaced by CGCATC on the plus strand (ACGGTACCTGCGC replaced by GATGCG on the coding strand, the reverse complement: CDKN2A is on the minus strand). VCF-style: chr9-21970966-GCGCAGGTACCGT-CGCATC. GRCh37 (hg19) VCF-style: chr9-21970965-GCGCAGGTACCGT-CGCATC.
Other names: c.381_393delACGGTACCTGCGCinsGATGCG, p.Arg128Metfs (NM_000077.6); c.381_393delinsGATGCG, p.Arg128fs (NM_001195132.2); c.228_240delinsGATGCG, p.Arg77fs (NM_001363763.2); c.*25_*37delinsGATGCG (NM_058195.4); c.*304_*316delinsGATGCG (NM_058197.5); short protein forms R128fs, R77fs.
Identifiers: ClinVar variation 463503 (VCV000463503.6), dbSNP rs1554653915, ClinGen allele CA658656022.
Genomic context (GRCh38, chr9:21,970,966, plus strand): 5'-GGGACCTTCCGCGGCATCTATGCGGGCATGGTTACTGCCTCTGGTGCCCCCCGCAGCCGC[GCGCAGGTACCGT>CGCATC]GCGACATCGCGATGGCCCAGCTCCTCAGCCAGGTCCACGGGCAGACGGCCCCAGGCATCG-3'